The following is an entry in ClinVar:

ClinVar aggregate classification (germline): Uncertain significance (1 of 4 stars; one submission).

Submission:

Labcorp Genetics (formerly Invitae), Labcorp
Classification: Uncertain significance. Last evaluated: 2023-07-24. Review status: criteria provided, single submitter. Criteria: Invitae Variant Classification Sherloc (09022015). Collection method: clinical testing. Allele origin: germline.
Comment: This sequence change replaces threonine, which is neutral and polar, with lysine, which is basic and polar, at codon 328 of the SEPT9 protein (p.Thr328Lys). This variant is not present in population databases (gnomAD no frequency). In summary, the available evidence is currently insufficient to determine the role of this variant in disease. Therefore, it has been classified as a Variant of Uncertain Significance. Advanced modeling of protein sequence and biophysical properties (such as structural, functional, and spatial information, amino acid conservation, physicochemical variation, residue mobility, and thermodynamic stability) performed at Invitae indicates that this missense variant is not expected to disrupt SEPT9 protein function. This variant has not been reported in the literature in individuals affected with SEPT9-related conditions.

NM_001113491.2(SEPTIN9):c.1037C>A (p.Thr346Lys)

Gene: SEPTIN9 (septin 9; plus strand). Cytogenetic location: 17q25.3.
Variant type: single nucleotide variant.
Coding change: c.1037C>A on transcript NM_001113491.2 (MANE Select); coding-DNA position 1037, C replaced by A.
Protein change: p.Thr346Lys; replaces threonine 346 with lysine.
Molecular consequence: missense variant.
Genome position (GRCh38, 1-based): chr17:77,487,547, C>A. VCF-style: chr17-77487547-C-A. GRCh37 (hg19) VCF-style: chr17-75483629-C-A.
Other names: c.545C>A, p.Thr182Lys (NM_001113492.2, NM_001113494.1); c.1016C>A, p.Thr339Lys (NM_001113493.2); c.284C>A, p.Thr95Lys (NM_001113495.2, NM_001113496.2, NM_001293697.2 and 1 more transcripts); c.980C>A, p.Thr327Lys (NM_001293695.2); c.365C>A, p.Thr122Lys (NM_001293696.2); c.983C>A, p.Thr328Lys (NM_006640.5); short protein forms T327K, T339K, T182K, T346K, T95K, T122K, T328K.
Identifiers: ClinVar variation 2746156 (VCV002746156.3), dbSNP rs1598460509, ClinGen allele CA401208844.